The following is an entry in ClinVar:

NM_001244008.2(KIF1A):c.3683G>A (p.Gly1228Glu)

Gene: KIF1A (kinesin family member 1A; minus strand). Cytogenetic location: 2q37.3.
Variant type: single nucleotide variant.
Coding change: c.3683G>A on transcript NM_001244008.2 (MANE Select); coding-DNA position 3683, G replaced by A.
Protein change: p.Gly1228Glu; replaces glycine 1228 with glutamic acid.
Molecular consequence: missense variant.
Genome position (GRCh38, 1-based): chr2:240,741,335, C>T on the plus strand (G>A on the coding strand, the complement: KIF1A is on the minus strand). VCF-style: chr2-240741335-C-T. GRCh37 (hg19) VCF-style: chr2-241680752-C-T.
Other names: c.3407G>A, p.Gly1136Glu (NM_001320705.2, NM_001330289.2, NM_001379638.1); c.3482G>A, p.Gly1161Glu (NM_001330290.2, NM_001379634.1, NM_001379635.1 and 1 more transcripts); c.3758G>A, p.Gly1253Glu (NM_001379631.1); c.3632G>A, p.Gly1211Glu (NM_001379632.1); c.3656G>A, p.Gly1219Glu (NM_001379633.1, NM_001379642.1, NM_001379645.1); c.3380G>A, p.Gly1127Glu (NM_001379636.1, NM_001379639.1, NM_001379641.1 and 5 more transcripts); c.3455G>A, p.Gly1152Glu (NM_001379637.1, NM_001379648.1); c.3377G>A, p.Gly1126Glu (NM_001379640.1); short protein forms G1126E, G1127E, G1136E, G1152E, G1161E, G1211E, G1219E, G1228E.
Identifiers: ClinVar variation 3896889 (VCV003896889.1).

ClinVar aggregate classification (germline): Uncertain significance (1 of 4 stars; one submission).

Conditions:
Neuropathy, hereditary sensory, type 2C. Also called: Hereditary sensory and autonomic neuropathy type IIC; KIF1A-Related HSAN2 (HSAN2C). Identifiers: Orphanet 970, MedGen C3280168, MONDO:0013634, OMIM 614213.
Hereditary spastic paraplegia 30. Identifiers: Orphanet 101010, MedGen C5235139, MONDO:0012476.
Intellectual disability, autosomal dominant 9 (NESCAVS). Also called: KIF1A-Related Neurodevelopmental Disorder; NESCAV SYNDROME. Identifiers: Orphanet 662367, MedGen C5393830, MONDO:0013656, OMIM 614255.

Submission:

Kariminejad - Najmabadi Pathology & Genetics Center
Classification: Uncertain significance for Intellectual disability, autosomal dominant 9; Neuropathy, hereditary sensory, type 2C; Spastic paraplegia 30A, autosomal dominant. Last evaluated: 2022-01-22. Review status: criteria provided, single submitter. Criteria: ACMG Guidelines, 2015. Collection method: clinical testing. Allele origin: germline. Inheritance: Autosomal recessive inheritance. Affected: yes.
Comment: PM2, PP2?, PP3